The following is an entry in ClinVar:

ClinVar aggregate classification (germline): Conflicting classifications of pathogenicity. Review status: criteria provided, conflicting classifications (1 of 4 stars). 2 submissions from 2 submitters: Uncertain significance (1); Likely benign (1). Last evaluated 2026-04-18.

Conditions:
Cortical dysplasia, complex, with other brain malformations 13. Also called: Intellectual disability, autosomal dominant 13. Identifiers: MedGen C3281202, MONDO:0013805, OMIM 614563.

Submissions (2):

Centre for Medical Genetics,  Mumbai
Classification: Likely benign for Cortical dysplasia, complex, with other brain malformations 13. Last evaluated: 2026-04-18. Review status: criteria provided, single submitter. Criteria: ACMG Guidelines, 2015. Collection method: provider interpretation. Allele origin: germline. Inheritance: Autosomal dominant inheritance. Affected: no. Observed: 1 variant allele, 1 heterozygote.
Comment: The variant satisfies PM2 criteria - extremely low frequency in gnomAD population databases. The variant satisfies PP3 criteria - for a missense or a splicing region variant, computational prediction tools unanimously support a deleterious effect on the gene. The variant satisfies PP2 criteria - missense variant in a gene with low rate of benign missense mutations and for which missense mutation is a common mechanism of a disease. However, the variant satisfies BS2 criteria - present in heterozygous state in an individual that clinically does not have cortical dysplasia.

GeneDx
Classification: Uncertain significance. Last evaluated: 2021-08-07. Review status: criteria provided, single submitter. Criteria: GeneDx Variant Classification Process June 2021. Collection method: clinical testing. Allele origin: germline. Affected: yes.
Comment: Not observed in large population cohorts (Lek et al., 2016); In silico analysis, which includes protein predictors and evolutionary conservation, supports a deleterious effect; Has not been previously published as pathogenic or benign to our knowledge

Literature cited by the submitters: PubMed 21076407 (cited by Centre for Medical Genetics,  Mumbai).

NM_001376.5(DYNC1H1):c.4991T>C (p.Ile1664Thr)

Gene: DYNC1H1 (dynein cytoplasmic 1 heavy chain 1; plus strand). Cytogenetic location: 14q32.31.
Variant type: single nucleotide variant.
Coding change: c.4991T>C on transcript NM_001376.5 (MANE Select); coding-DNA position 4991, T replaced by C.
Protein change: p.Ile1664Thr; replaces isoleucine 1664 with threonine.
Molecular consequence: missense variant.
Genome position (GRCh38, 1-based): chr14:102,004,625, T>C. VCF-style: chr14-102004625-T-C. GRCh37 (hg19) VCF-style: chr14-102470962-T-C.
Other names: short protein forms I1664T.
Identifiers: ClinVar variation 1310438 (VCV001310438.3), dbSNP rs2141288529, ClinGen allele CA391045124.